The following is an entry in ClinVar:

ClinVar aggregate classification (germline): Uncertain significance. Review status: criteria provided, multiple submitters, no conflicts (2 of 4 stars). 2 submissions from 2 submitters: Uncertain significance (2). Last evaluated 2025-08-02.

Conditions:
Inborn genetic diseases. Identifiers: MedGen C0950123, MeSH D030342.
Charcot-Marie-Tooth disease type 4. Also called: Charcot-Marie-Tooth, Type 4; Charcot-Marie-Tooth disease, type IV. Identifiers: Orphanet 64749, MedGen C4082197, MONDO:0018995.

Allele frequency attached by ClinVar (database versions not stated): gnomAD exomes below 0.00001.
gnomAD v4.1: 3 of 1,614,062 alleles (0.00019%); highest among the groups gnomAD compares: Admixed American, 0.005%; no homozygotes.

Submissions (2):

Ambry Genetics
Classification: Uncertain significance for Inborn genetic diseases. Last evaluated: 2025-08-02. Review status: criteria provided, single submitter. Criteria: Ambry Variant Classification Scheme 2023. Collection method: clinical testing. Allele origin: germline.

Labcorp Genetics (formerly Invitae), Labcorp
Classification: Uncertain significance for Charcot-Marie-Tooth disease type 4. Last evaluated: 2024-09-18. Review status: criteria provided, single submitter. Criteria: Invitae Variant Classification Sherloc (09022015). Collection method: clinical testing. Allele origin: germline.
Comment: This sequence change replaces valine, which is neutral and non-polar, with alanine, which is neutral and non-polar, at codon 672 of the SH3TC2 protein (p.Val672Ala). This variant is not present in population databases (gnomAD no frequency). This variant has not been reported in the literature in individuals affected with SH3TC2-related conditions. ClinVar contains an entry for this variant (Variation ID: 1038311). Invitae Evidence Modeling of protein sequence and biophysical properties (such as structural, functional, and spatial information, amino acid conservation, physicochemical variation, residue mobility, and thermodynamic stability) indicates that this missense variant is not expected to disrupt SH3TC2 protein function with a negative predictive value of 95%. In summary, the available evidence is currently insufficient to determine the role of this variant in disease. Therefore, it has been classified as a Variant of Uncertain Significance.

NM_024577.4(SH3TC2):c.2015T>C (p.Val672Ala)

Gene: SH3TC2 (SH3 domain and tetratricopeptide repeats 2; minus strand). Cytogenetic location: 5q32.
Variant type: single nucleotide variant.
Coding change: c.2015T>C on transcript NM_024577.4 (MANE Select); coding-DNA position 2015, T replaced by C.
Protein change: p.Val672Ala; replaces valine 672 with alanine.
Molecular consequence: missense variant.
Genome position (GRCh38, 1-based): chr5:149,027,717, A>G on the plus strand (T>C on the coding strand, the complement: SH3TC2 is on the minus strand). VCF-style: chr5-149027717-A-G. GRCh37 (hg19) VCF-style: chr5-148407280-A-G.
Other names: c.2015T>C (NM_024577.3); short protein forms V672A.
Identifiers: ClinVar variation 1038311 (VCV001038311.6), dbSNP rs1754096756, ClinGen allele CA361667261.